The following is an entry in ClinVar:

NM_003611.3(OFD1):c.412+10G>A

Gene: OFD1 (OFD1 centriole and centriolar satellite protein; plus strand). Cytogenetic location: Xp22.2.
Variant type: single nucleotide variant.
Coding change: c.412+10G>A on transcript NM_003611.3 (MANE Select); 10 bases into the intron after coding-DNA position 412, G replaced by A.
Molecular consequence: intron variant.
Genome position (GRCh38, 1-based): chrX:13,739,042, G>A. VCF-style: chrX-13739042-G-A. GRCh37 (hg19) VCF-style: chrX-13757161-G-A.
Other names: c.-134+10G>A (NM_001330210.2); c.412+10G>A (NM_001330209.2).
Identifiers: ClinVar variation 703062 (VCV000703062.9), dbSNP rs201837087, ClinGen allele CA10351600.

ClinVar aggregate classification (germline): Likely benign. Review status: criteria provided, multiple submitters, no conflicts (2 of 4 stars). 3 submissions from 3 submitters: Likely benign (3). Last evaluated 2025-07-29.

Conditions:
Orofaciodigital syndrome I (OFD1). Also called: Papillon-Leage and Psaume Syndrome; Oral-Facial-Digital Syndrome Type I; OFDS I. Identifiers: Orphanet 2750, MedGen C1510460, MONDO:0010702, OMIM 311200.
Joubert syndrome. Also called: Familial aplasia of the vermis; JOUBERT-BOLTSHAUSER SYNDROME. Identifiers: Orphanet 475, MedGen C5979921, MONDO:0018772.
OFD1-related disorder. Also called: OFD1-related condition.

Allele frequency attached by ClinVar (database versions not stated): gnomAD 0.00003; TOPMed 0.00002.
gnomAD v4.1: 51 of 1,196,046 alleles (0.0043%); highest among the groups gnomAD compares: East Asian, 0.0059%; no homozygotes.

Submissions (3):

Labcorp Genetics (formerly Invitae), Labcorp
Classification: Likely benign for Orofaciodigital syndrome I; Joubert syndrome. Last evaluated: 2025-07-29. Review status: criteria provided, single submitter. Criteria: Invitae Variant Classification Sherloc (09022015). Collection method: clinical testing. Allele origin: germline.

PreventionGenetics, part of Exact Sciences
Classification: Likely benign for OFD1-related condition. Last evaluated: 2024-12-04. Review status: criteria provided, single submitter. Criteria: ACMG Guidelines, 2015. Collection method: clinical testing. Allele origin: germline.
Comment: This variant is classified as likely benign based on ACMG/AMP sequence variant interpretation guidelines (Richards et al. 2015 PMID: 25741868, with internal and published modifications).

Blueprint Genetics
Classification: Likely benign. Last evaluated: 2022-06-01. Review status: criteria provided, single submitter. Criteria: ACMG Guidelines, 2015. Collection method: clinical testing. Allele origin: germline.